The following is an entry in ClinVar:

NM_001165963.4(SCN1A):c.2590C>T (p.Leu864=)

Gene: SCN1A (sodium voltage-gated channel alpha subunit 1; minus strand). Cytogenetic location: 2q24.3.
Variant type: single nucleotide variant.
Coding change: c.2590C>T on transcript NM_001165963.4 (MANE Select); coding-DNA position 2590, C replaced by T.
Protein change: p.Leu864=; no amino-acid change (leucine 864 retained).
Molecular consequence: synonymous variant. On other transcripts: non-coding transcript variant (1).
Genome position (GRCh38, 1-based): chr2:166,038,132, G>A on the plus strand (C>T on the coding strand, the complement: SCN1A is on the minus strand). VCF-style: chr2-166038132-G-A. GRCh37 (hg19) VCF-style: chr2-166894642-G-A.
Other names: c.2506C>T, p.Leu836= (NM_001165964.3, NM_001353957.2, NM_001353958.2); c.2590C>T, p.Leu864= (NM_001202435.3, NM_001353948.2); c.2557C>T, p.Leu853= (NM_001353949.2, NM_001353950.2, NM_001353951.2 and 2 more transcripts); c.2554C>T, p.Leu852= (NM_001353954.2, NM_001353955.2); c.2503C>T, p.Leu835= (NM_001353960.2); c.148C>T, p.Leu50= (NM_001353961.2).
Identifiers: ClinVar variation 507584 (VCV000507584.14), dbSNP rs140035595, ClinGen allele CA1943067.

ClinVar aggregate classification (germline): Conflicting classifications of pathogenicity. Review status: criteria provided, conflicting classifications (1 of 4 stars). 3 submissions from 3 submitters: Uncertain significance (1); Likely benign (2). Last evaluated 2026-05-27.

Conditions:
Early-infantile DEE. Also called: Ohtahara syndrome; Early infantile epileptic encephalopathy; Early infantile epileptic encephalopathy with suppression bursts. Identifiers: Orphanet 1934, MedGen C0393706, MONDO:0800491.
Inborn genetic diseases. Identifiers: MedGen C0950123, MeSH D030342.

Allele frequency attached by ClinVar (database versions not stated): ESP Exome Variant Server 0.00008; gnomAD exomes 0.00002; ExAC 0.00003; gnomAD 0.00005 and 0.00004; TOPMed 0.00005.

Submissions (3):

Ambry Genetics
Classification: Likely benign for Inborn genetic diseases. Last evaluated: 2026-05-27. Review status: criteria provided, single submitter. Criteria: Ambry Variant Classification Scheme 2023. Collection method: clinical testing. Allele origin: germline.

Labcorp Genetics (formerly Invitae), Labcorp
Classification: Uncertain significance for Early-infantile DEE. Last evaluated: 2025-04-19. Review status: criteria provided, single submitter. Criteria: Invitae Variant Classification Sherloc (09022015). Collection method: clinical testing. Allele origin: germline.
Comment: This sequence change affects codon 864 of the SCN1A mRNA. It is a 'silent' change, meaning that it does not change the encoded amino acid sequence of the SCN1A protein. It affects a nucleotide within the consensus splice site. This variant is present in population databases (rs140035595, gnomAD 0.02%). This variant has not been reported in the literature in individuals affected with SCN1A-related conditions. ClinVar contains an entry for this variant (Variation ID: 507584). Algorithms developed to predict the effect of sequence changes on RNA splicing suggest that this variant is not likely to affect RNA splicing. In summary, the available evidence is currently insufficient to determine the role of this variant in disease. Therefore, it has been classified as a Variant of Uncertain Significance.

GeneDx
Classification: Likely benign. Last evaluated: 2017-02-27. Review status: criteria provided, single submitter. Criteria: GeneDx Variant Classification (06012015). Collection method: clinical testing. Allele origin: germline. Affected: yes.
Comment: This variant is considered likely benign or benign based on one or more of the following criteria: it is a conservative change, it occurs at a poorly conserved position in the protein, it is predicted to be benign by multiple in silico algorithms, and/or has population frequency not consistent with disease.